The following is an entry in ClinVar:

ClinVar aggregate classification (germline): Uncertain significance (1 of 4 stars; one submission).

gnomAD v4.1: 7 of 1,614,000 alleles (0.00043%); highest among the groups gnomAD compares: East Asian, 0.0022%; no homozygotes.

Submission:

Labcorp Genetics (formerly Invitae), Labcorp
Classification: Uncertain significance. Last evaluated: 2024-01-13. Review status: criteria provided, single submitter. Criteria: Invitae Variant Classification Sherloc (09022015). Collection method: clinical testing. Allele origin: germline.
Comment: This sequence change replaces arginine, which is basic and polar, with histidine, which is basic and polar, at codon 179 of the ANKZF1 protein (p.Arg179His). This variant is not present in population databases (gnomAD no frequency). This variant has not been reported in the literature in individuals affected with ANKZF1-related conditions. ClinVar contains an entry for this variant (Variation ID: 1972079). An algorithm developed to predict the effect of missense changes on protein structure and function (PolyPhen-2) suggests that this variant is likely to be disruptive. In summary, the available evidence is currently insufficient to determine the role of this variant in disease. Therefore, it has been classified as a Variant of Uncertain Significance.

NM_018089.3(ANKZF1):c.536G>A (p.Arg179His)

Gene: ANKZF1 (ankyrin repeat and zinc finger peptidyl tRNA hydrolase 1; plus strand). Cytogenetic location: 2q35.
Variant type: single nucleotide variant.
Coding change: c.536G>A on transcript NM_018089.3 (MANE Select); coding-DNA position 536, G replaced by A.
Protein change: p.Arg179His; replaces arginine 179 with histidine.
Molecular consequence: missense variant. On other transcripts: 5 prime UTR variant (1).
Genome position (GRCh38, 1-based): chr2:219,232,661, G>A. VCF-style: chr2-219232661-G-A. GRCh37 (hg19) VCF-style: chr2-220097383-G-A.
Other names: c.536G>A, p.Arg179His (NM_001042410.2); c.-95G>A (NM_001282792.2); short protein forms R179H.
Identifiers: ClinVar variation 1972079 (VCV001972079.5), dbSNP rs1951078990, ClinGen allele CA350674138.